The following is an entry in ClinVar:

NM_012144.4(DNAI1):c.803C>T (p.Ser268Phe)

Gene: DNAI1 (dynein axonemal intermediate chain 1; plus strand). Cytogenetic location: 9p13.3.
Variant type: single nucleotide variant.
Coding change: c.803C>T on transcript NM_012144.4 (MANE Select); coding-DNA position 803, C replaced by T.
Protein change: p.Ser268Phe; replaces serine 268 with phenylalanine.
Molecular consequence: missense variant.
Genome position (GRCh38, 1-based): chr9:34,493,315, C>T. VCF-style: chr9-34493315-C-T. GRCh37 (hg19) VCF-style: chr9-34493313-C-T.
Other names: c.815C>T, p.Ser272Phe (NM_001281428.2); short protein forms S272F, S268F.
Identifiers: ClinVar variation 937350 (VCV000937350.7), dbSNP rs1824648112, ClinGen allele CA373249446.

ClinVar aggregate classification (germline): Uncertain significance. Review status: criteria provided, single submitter (1 of 4 stars). 2 submissions from 2 submitters: Uncertain significance (1). 1 of the submissions does not count toward it. Last evaluated 2021-08-31.

Conditions:
Primary ciliary dyskinesia. Also called: Ciliary dyskinesia. Identifiers: Orphanet 244, MedGen C0008780, MONDO:0016575, HP:0012265.

Allele frequency attached by ClinVar (database versions not stated): gnomAD exomes below 0.00001.
gnomAD v4.1: 3 of 1,614,078 alleles (0.00019%); highest among the groups gnomAD compares: Non-Finnish European, 0.00025%; no homozygotes.

Submissions (2):

Labcorp Genetics (formerly Invitae), Labcorp
Classification: Uncertain significance for Primary ciliary dyskinesia. Last evaluated: 2021-08-31. Review status: criteria provided, single submitter. Criteria: Invitae Variant Classification Sherloc (09022015). Collection method: clinical testing. Allele origin: germline.
Comment: This sequence change replaces serine with phenylalanine at codon 268 of the DNAI1 protein (p.Ser268Phe). The serine residue is moderately conserved and there is a large physicochemical difference between serine and phenylalanine. This variant is not present in population databases (ExAC no frequency). This variant has not been reported in the literature in individuals affected with DNAI1-related conditions. Algorithms developed to predict the effect of missense changes on protein structure and function are either unavailable or do not agree on the potential impact of this missense change (SIFT: "Deleterious"; PolyPhen-2: "Benign"; Align-GVGD: "Class C0"). In summary, the available evidence is currently insufficient to determine the role of this variant in disease. Therefore, it has been classified as a Variant of Uncertain Significance.

Natera, Inc.
Classification: Uncertain significance for Primary ciliary dyskinesia. Last evaluated: 2021-06-21. Review status: no assertion criteria provided. Collection method: clinical testing. Allele origin: germline. Not counted in ClinVar's aggregate classification.